The following is an entry in ClinVar:

NM_001122955.4(BSCL2):c.351C>T (p.Tyr117=)

Genes: BSCL2 (BSCL2 lipid droplet biogenesis associated, seipin; minus strand), HNRNPUL2-BSCL2 (HNRNPUL2-BSCL2 readthrough (NMD candidate); minus strand). Cytogenetic location: 11q12.3.
Variant type: single nucleotide variant.
Coding change: c.351C>T on transcript NM_001122955.4 (MANE Select); coding-DNA position 351, C replaced by T.
Protein change: p.Tyr117=; no amino-acid change (tyrosine 117 retained).
Molecular consequence: synonymous variant. On other transcripts: non-coding transcript variant (1).
Genome position (GRCh38, 1-based): chr11:62,705,354, G>A on the plus strand (C>T on the coding strand, the complement: BSCL2 is on the minus strand). VCF-style: chr11-62705354-G-A. GRCh37 (hg19) VCF-style: chr11-62472826-G-A.
Other names: c.159C>T, p.Tyr53= (NM_001130702.2, NM_032667.6); c.351C>T, p.Tyr117= (NM_001386027.1, NM_001386028.1).
Identifiers: ClinVar variation 2641894 (VCV002641894.24), dbSNP rs2539181779, ClinGen allele CA474872849.

ClinVar aggregate classification (germline): Likely benign (1 of 4 stars; one submission).

Submission:

CeGaT Center for Human Genetics Tuebingen
Classification: Likely benign. Last evaluated: 2022-10-01. Review status: criteria provided, single submitter. Criteria: CeGaT Center For Human Genetics Tuebingen Variant Classification Criteria Version 2. Collection method: clinical testing. Allele origin: germline. Affected: yes. Observed: 1 variant allele.
Comment: BSCL2: PM2:Supporting, BP4, BP7